The following is an entry in ClinVar:

NM_004183.4(BEST1):c.287A>G (p.Gln96Arg)

Gene: BEST1 (bestrophin 1; plus strand). Cytogenetic location: 11q12.3.
Variant type: single nucleotide variant.
Coding change: c.287A>G on transcript NM_004183.4 (MANE Select); coding-DNA position 287, A replaced by G.
Protein change: p.Gln96Arg; replaces glutamine 96 with arginine.
Molecular consequence: missense variant. On other transcripts: non-coding transcript variant (1).
Genome position (GRCh38, 1-based): chr11:61,955,757, A>G. VCF-style: chr11-61955757-A-G. GRCh37 (hg19) VCF-style: chr11-61723229-A-G.
Other names: c.107A>G, p.Gln36Arg (NM_001139443.3, NM_001300786.2, NM_001300787.2); c.-32A>G (NM_001363591.3); c.287A>G, p.Gln96Arg (NM_001363592.2); c.-889A>G (NM_001363593.3); short protein forms Q96R, Q36R.
Identifiers: ClinVar variation 635998 (VCV000635998.6), dbSNP rs1225032182, ClinGen allele CA380834088.

ClinVar aggregate classification (germline): Pathogenic. Review status: criteria provided, multiple submitters, no conflicts (2 of 4 stars). 4 submissions from 3 submitters: Pathogenic (2). 2 of the submissions do not count toward it. Last evaluated 2022-11-28.

Conditions:
Macular dystrophy. Identifiers: MedGen C0730292, HP:0007754.
Retinal dystrophy. Also called: Inherited retinal dystrophy. Identifiers: Orphanet 71862, MedGen C0854723, MeSH D058499, MONDO:0019118, HP:0000556.
Vitelliform macular dystrophy 2. Also called: Best vitelliform macular dystrophy, multifocal; VITELLIFORM MACULAR DYSTROPHY, EARLY-ONSET; VITELLIFORM MACULAR DYSTROPHY, JUVENILE-ONSET; Best Vitelliform Macular Dystrophy (BVMD); Best Macular Dystrophy; MACULAR DEGENERATION, POLYMORPHIC VITELLINE. Identifiers: Orphanet 1243, MedGen C2745945, MONDO:0007931, OMIM 153700.

Submissions (4):

Labcorp Genetics (formerly Invitae), Labcorp
Classification: Pathogenic. Last evaluated: 2022-11-28. Review status: criteria provided, single submitter. Criteria: Invitae Variant Classification Sherloc (09022015). Collection method: clinical testing. Allele origin: germline.
Comment: This variant disrupts the p.Gln96 amino acid residue in BEST1. Other variant(s) that disrupt this residue have been determined to be pathogenic (PMID: 10394929, 20381869, 28559085, 31519547, 33090715). This suggests that this residue is clinically significant, and that variants that disrupt this residue are likely to be disease-causing. For these reasons, this variant has been classified as Pathogenic. Algorithms developed to predict the effect of sequence changes on RNA splicing suggest that this variant may disrupt the consensus splice site. This sequence change replaces glutamine, which is neutral and polar, with arginine, which is basic and polar, at codon 96 of the BEST1 protein (p.Gln96Arg). This variant is not present in population databases (gnomAD no frequency). This missense change has been observed in individuals with autosomal dominant vitelliform macular dystrophy (PMID: 12565808, 23880862). ClinVar contains an entry for this variant (Variation ID: 635998). Advanced modeling of protein sequence and biophysical properties (such as structural, functional, and spatial information, amino acid conservation, physicochemical variation, residue mobility, and thermodynamic stability) performed at Invitae indicates that this missense variant is expected to disrupt BEST1 protein function. Experimental studies have shown that this missense change affects BEST1 function (PMID: 23880862).

Institute of Human Genetics, Univ. Regensburg, Univ. Regensburg
Classification: Pathogenic for Retinal dystrophy. Last evaluated: 2019-01-01. Review status: criteria provided, single submitter. Criteria: ACMG Guidelines, 2015. Collection method: clinical testing. Allele origin: germline. Affected: yes.

Department of Clinical Genetics, Copenhagen University Hospital, Rigshospitalet
Classification: Likely pathogenic for Vitelliform macular dystrophy type 2. Last evaluated: 2018-04-01. Review status: no assertion criteria provided. Collection method: research. Allele origin: unknown. Affected: yes. Study: VeluxRD. Not counted in ClinVar's aggregate classification.

Department of Clinical Genetics, Copenhagen University Hospital, Rigshospitalet
Classification: Likely pathogenic for Macular dystrophy. Last evaluated: 2018-04-01. Review status: no assertion criteria provided. Collection method: research. Allele origin: unknown. Affected: yes. Study: VeluxRD. Not counted in ClinVar's aggregate classification.

Literature cited by the submitters: PubMed 10394929 (cited by Labcorp Genetics (formerly Invitae), Labcorp); PubMed 20381869 (cited by Labcorp Genetics (formerly Invitae), Labcorp); PubMed 28559085 (cited by Labcorp Genetics (formerly Invitae), Labcorp); PubMed 31519547 (cited by Labcorp Genetics (formerly Invitae), Labcorp); PubMed 33090715 (cited by Labcorp Genetics (formerly Invitae), Labcorp); PubMed 12565808 (cited by Labcorp Genetics (formerly Invitae), Labcorp and Institute of Human Genetics, Univ. Regensburg, Univ. Regensburg); PubMed 23880862 (cited by Labcorp Genetics (formerly Invitae), Labcorp and Institute of Human Genetics, Univ. Regensburg, Univ. Regensburg); PubMed 36512348 (cited by Institute of Human Genetics, Univ. Regensburg, Univ. Regensburg); PubMed 30718709 (cited by Department of Clinical Genetics, Copenhagen University Hospital, Rigshospitalet).